The following is an entry in ClinVar:

ClinVar aggregate classification (germline): Uncertain significance (1 of 4 stars; one submission).

Submission:

Labcorp Genetics (formerly Invitae), Labcorp
Classification: Uncertain significance. Last evaluated: 2024-08-06. Review status: criteria provided, single submitter. Criteria: Invitae Variant Classification Sherloc (09022015). Collection method: clinical testing. Allele origin: germline.
Comment: This sequence change creates a premature translational stop signal (p.Glu447Argfs*9) in the PPM1D gene. While this is not anticipated to result in nonsense mediated decay, it is expected to disrupt the last 159 amino acid(s) of the PPM1D protein. This variant is not present in population databases (gnomAD no frequency). This variant has not been reported in the literature in individuals affected with PPM1D-related conditions. In summary, the available evidence is currently insufficient to determine the role of this variant in disease. Therefore, it has been classified as a Variant of Uncertain Significance.

NM_003620.4(PPM1D):c.1338dup (p.Glu447fs)

Gene: PPM1D (protein phosphatase, Mg2+/Mn2+ dependent 1D; plus strand). Cytogenetic location: 17q23.2.
Variant type: Duplication.
Coding change: c.1338dup on transcript NM_003620.4 (MANE Select); coding-DNA position 1338, one base duplicated (A; older notation c.1338dupA).
Protein change: p.Glu447fs; shifts the reading frame from glutamic acid 447.
Molecular consequence: frameshift variant.
Genome position (GRCh38, 1-based): chr17:60,663,072, A duplicated. VCF-style (leftmost placement, unchanged base first): chr17-60663071-C-CA. GRCh37 (hg19) VCF-style: chr17-58740432-C-CA.
Other names: short protein forms E447fs.
Identifiers: ClinVar variation 3695803 (VCV003695803.2).